The following is an entry in ClinVar:

ClinVar aggregate classification (germline): Pathogenic (1 of 4 stars; one submission).

Submission:

Labcorp Genetics (formerly Invitae), Labcorp
Classification: Pathogenic. Last evaluated: 2023-10-06. Review status: criteria provided, single submitter. Criteria: Invitae Variant Classification Sherloc (09022015). Collection method: clinical testing. Allele origin: germline.
Comment: This sequence change creates a premature translational stop signal (p.Gln2244*) in the TG gene. It is expected to result in an absent or disrupted protein product. Loss-of-function variants in TG are known to be pathogenic (PMID: 19837936, 23164529). This variant is not present in population databases (gnomAD no frequency). This variant has not been reported in the literature in individuals affected with TG-related conditions. Algorithms developed to predict the effect of sequence changes on RNA splicing suggest that this variant may create or strengthen a splice site. For these reasons, this variant has been classified as Pathogenic.

Literature cited by the submitters: PubMed 19837936; PubMed 23164529.

NM_003235.5(TG):c.6730C>T (p.Gln2244Ter)

Gene: TG (thyroglobulin; plus strand). Cytogenetic location: 8q24.22.
Variant type: single nucleotide variant.
Coding change: c.6730C>T on transcript NM_003235.5 (MANE Select); coding-DNA position 6730, C replaced by T.
Protein change: p.Gln2244Ter; replaces glutamine 2244 with a stop codon.
Molecular consequence: nonsense.
Genome position (GRCh38, 1-based): chr8:133,017,945, C>T. VCF-style: chr8-133017945-C-T. GRCh37 (hg19) VCF-style: chr8-134030190-C-T.
Other names: short protein forms Q2244*.
Identifiers: ClinVar variation 2779674 (VCV002779674.3), dbSNP rs2536863410, ClinGen allele CA372233747.
Genomic context (GRCh38, chr8:133,017,945, plus strand): 5'-CAAGTGGACCAGTTCCTTGGAGTTCCATATGCTGCCCCGCCCCTGGCAGAGAGGCGCTTC[C>T]AGGCACCAGAGCCCTTGAACTGGACAGGCTCCTGGGATGCCAGCAAGCCAAGGTATGGGT-3'